The following is an entry in ClinVar:

ClinVar aggregate classification (germline): Benign/Likely benign (0 of 4 stars; one submission).

Submission:

ISCA site 4
Classification: Benign/Likely benign. Last evaluated: 2012-09-21. Review status: no assertion criteria provided. Collection method: clinical testing. Allele origin: unknown. Affected: yes. Observed: 2 variant alleles.
Comment: Likely benign (1), Benign (1)

Copy number variation identified through the course of routine clinical cytogenomic testing in postnatal populations, with clinical assertions as classified by the original submitter.

GRCh38/hg38 20p13(chr20:80093-127625)x3

Gene: DEFB125 (defensin beta 125; plus strand). Cytogenetic location: 20p13.
Variant type: copy number gain.
Change: copy number 3 (three copies instead of two) of chr20:80,093-127,625 (47.5 kb, GRCh38 coordinates, 1-based), cytogenetic band 20p13.
Identifiers: ClinVar variation 146724 (VCV000146724.2).